The following is an entry in ClinVar:

ClinVar aggregate classification (germline): Uncertain significance (1 of 4 stars; one submission).

Conditions:
Neuronopathy, distal hereditary motor, autosomal recessive 4. Also called: Autosomal recessive lower motor neuron disease with childhood onset; NEUROPATHY, DISTAL HEREDITARY MOTOR, AUTOSOMAL RECESSIVE 4. Identifiers: Orphanet 206580, MedGen C1970211, MONDO:0012608, OMIM 611067.
Charcot-Marie-Tooth disease recessive intermediate C. Also called: CHARCOT-MARIE-TOOTH NEUROPATHY, RECESSIVE INTERMEDIATE C. Identifiers: Orphanet 369867, MedGen C3809309, MONDO:0014154, OMIM 615376.

gnomAD v4.1: 3 of 1,597,430 alleles (0.00019%); highest among the groups gnomAD compares: African/African-American, 0.0027%; no homozygotes.

Submission:

Labcorp Genetics (formerly Invitae), Labcorp
Classification: Uncertain significance for Neuronopathy, distal hereditary motor, autosomal recessive 4; Charcot-Marie-Tooth disease recessive intermediate C. Last evaluated: 2021-08-13. Review status: criteria provided, single submitter. Criteria: Invitae Variant Classification Sherloc (09022015). Collection method: clinical testing. Allele origin: germline.
Comment: This sequence change replaces arginine with cysteine at codon 544 of the PLEKHG5 protein (p.Arg544Cys). The arginine residue is moderately conserved and there is a large physicochemical difference between arginine and cysteine. This variant is not present in population databases (ExAC no frequency). This variant has not been reported in the literature in individuals affected with PLEKHG5-related conditions. Algorithms developed to predict the effect of missense changes on protein structure and function are either unavailable or do not agree on the potential impact of this missense change (SIFT: "Deleterious"; PolyPhen-2: "Possibly Damaging"; Align-GVGD: "Class C0"). In summary, the available evidence is currently insufficient to determine the role of this variant in disease. Therefore, it has been classified as a Variant of Uncertain Significance.

NM_020631.6(PLEKHG5):c.1630C>T (p.Arg544Cys)

Gene: PLEKHG5 (pleckstrin homology and RhoGEF domain containing G5; minus strand). Cytogenetic location: 1p36.31.
Variant type: single nucleotide variant.
Coding change: c.1630C>T on transcript NM_020631.6 (MANE Select); coding-DNA position 1630, C replaced by T.
Protein change: p.Arg544Cys; replaces arginine 544 with cysteine.
Molecular consequence: missense variant.
Genome position (GRCh38, 1-based): chr1:6,470,556, G>A on the plus strand (C>T on the coding strand, the complement: PLEKHG5 is on the minus strand). VCF-style: chr1-6470556-G-A. GRCh37 (hg19) VCF-style: chr1-6530616-G-A.
Other names: c.1741C>T, p.Arg581Cys (NM_001042663.3, NM_001265592.2); c.1630C>T, p.Arg544Cys (NM_001042664.2, NM_001042665.2, NM_001265594.3 and 1 more transcripts); c.1837C>T, p.Arg613Cys (NM_001265593.2); short protein forms R581C, R544C, R613C.
Identifiers: ClinVar variation 1348233 (VCV001348233.5), dbSNP rs1046202834, ClinGen allele CA17236649.